The following is an entry in ClinVar:

ClinVar aggregate classification (germline): Likely benign (1 of 4 stars; one submission).

Conditions:
Pyridoxal phosphate-responsive seizures (PNPOD). Also called: Pyridoxal 5'-Phosphate (PLP)-Dependent Epilepsy; EPILEPTIC ENCEPHALOPATHY, NEONATAL, PNPO-RELATED; Pyridoxamine 5-Prime-Phosphate Oxidase Deficiency; SEIZURES, PYRIDOXINE-RESISTANT, PLP-SENSITIVE; Pyridoxine-5'-phosphate oxidase deficiency. Identifiers: Orphanet 79096, MedGen C1864723, MONDO:0012407, OMIM 610090. Disease mechanism: loss of function.

Allele frequency attached by ClinVar (database versions not stated): 1000 Genomes Project 0.00220; gnomAD 0.00228 and 0.00210; 1000 Genomes Project 30x 0.00219.

Submission:

Illumina Laboratory Services, Illumina
Classification: Likely benign for Pyridoxal phosphate-responsive seizures. Last evaluated: 2018-01-12. Review status: criteria provided, single submitter. Criteria: ICSL Variant Classification Criteria 13 December 2019. Collection method: clinical testing. Allele origin: germline.
Comment: This variant was observed in the ICSL laboratory as part of a predisposition screen in an ostensibly healthy population. It had not been previously curated by ICSL or reported in the Human Gene Mutation Database (HGMD: prior to June 1st, 2018), and was therefore a candidate for classification through an automated scoring system. Utilizing variant allele frequency, disease prevalence and penetrance estimates, and inheritance mode, an automated score was calculated to assess if this variant is too frequent to cause the disease. Based on the score and internal cut-off values, a variant classified as likely benign is not then subjected to further curation. The score for this variant resulted in a classification of likely benign for this disease.

NM_018129.4(PNPO):c.*756T>C

Gene: PNPO (pyridoxamine 5'-phosphate oxidase; plus strand). Cytogenetic location: 17q21.32.
Variant type: single nucleotide variant.
Coding change: c.*756T>C on transcript NM_018129.4 (MANE Select); 756 bases downstream of the stop codon, T replaced by C.
Molecular consequence: 3 prime UTR variant.
Genome position (GRCh38, 1-based): chr17:47,947,538, T>C. VCF-style: chr17-47947538-T-C. GRCh37 (hg19) VCF-style: chr17-46024904-T-C.
Identifiers: ClinVar variation 890841 (VCV000890841.4), dbSNP rs566414102, ClinGen allele CA291298093.